The following is an entry in ClinVar:

NM_001429.4(EP300):c.952C>G (p.Pro318Ala)

Gene: EP300 (EP300 lysine acetyltransferase; plus strand). Cytogenetic location: 22q13.2.
Variant type: single nucleotide variant.
Coding change: c.952C>G on transcript NM_001429.4 (MANE Select); coding-DNA position 952, C replaced by G.
Protein change: p.Pro318Ala; replaces proline 318 with alanine.
Molecular consequence: missense variant.
Genome position (GRCh38, 1-based): chr22:41,127,532, C>G. VCF-style: chr22-41127532-C-G. GRCh37 (hg19) VCF-style: chr22-41523536-C-G.
Other names: c.952C>G, p.Pro318Ala (NM_001362843.2); short protein forms P318A.
Identifiers: ClinVar variation 218590 (VCV000218590.37), dbSNP rs762647727, ClinGen allele CA249351.

ClinVar aggregate classification (germline): Benign/Likely benign. Review status: criteria provided, multiple submitters, no conflicts (2 of 4 stars). 5 submissions from 5 submitters: Benign (2); Likely benign (3). Last evaluated 2026-08-01.

Conditions:
Rubinstein-Taybi syndrome due to EP300 haploinsufficiency. Also called: RUBINSTEIN-TAYBI SYNDROME 2; EP300-Related Rubinstein-Taybi Syndrome. Identifiers: Orphanet 353284, Orphanet 783, MedGen C3150941, MONDO:0013364, OMIM 613684.
EP300-related disorder. Also called: EP300-related condition; EP300-related disorders.

Allele frequency attached by ClinVar (database versions not stated): ExAC 0.00002; TOPMed 0.00002; gnomAD exomes 0.00003.
gnomAD v4.1: 47 of 1,614,086 alleles (0.0029%); highest among the groups gnomAD compares: Middle Eastern, 0.13%; no homozygotes.

Submissions (5):

CeGaT Center for Human Genetics Tuebingen
Classification: Likely benign. Last evaluated: 2026-08-01. Review status: criteria provided, single submitter. Criteria: CeGaT Center For Human Genetics Tuebingen Variant Classification Criteria Version 2. Collection method: clinical testing. Allele origin: germline. Affected: yes. Observed: 2 variant alleles.
Comment: EP300: BP4

PreventionGenetics, part of Exact Sciences
Classification: Likely benign for EP300-related condition. Last evaluated: 2026-03-21. Review status: criteria provided, single submitter. Criteria: ACMG Guidelines, 2015. Collection method: clinical testing. Allele origin: germline.
Comment: This variant is classified as likely benign based on ACMG/AMP sequence variant interpretation guidelines (Richards et al. 2015 PMID: 25741868, with internal and published modifications).

Labcorp Genetics (formerly Invitae), Labcorp
Classification: Benign for Rubinstein-Taybi syndrome due to EP300 haploinsufficiency. Last evaluated: 2025-12-21. Review status: criteria provided, single submitter. Criteria: Invitae Variant Classification Sherloc (09022015). Collection method: clinical testing. Allele origin: germline.

GeneDx
Classification: Likely benign. Last evaluated: 2019-08-13. Review status: criteria provided, single submitter. Criteria: GeneDx Variant Classification Process June 2021. Collection method: clinical testing. Allele origin: germline. Affected: yes.

Genomic Diagnostic Laboratory, Division of Genomic Diagnostics, Children's Hospital of Philadelphia
Classification: Benign. Last evaluated: 2015-03-06. Review status: criteria provided, single submitter. Criteria: DGD Variant Analysis Guidelines. Collection method: clinical testing. Allele origin: unknown.